The following is an entry in ClinVar:

NM_001059.3(TACR3):c.1289C>T (p.Thr430Met)

Genes: TACR3 (tachykinin receptor 3; minus strand), TACR3-AS1 (TACR3 antisense RNA 1; plus strand). Cytogenetic location: 4q24.
Variant type: single nucleotide variant.
Coding change: c.1289C>T on transcript NM_001059.3 (MANE Select); coding-DNA position 1289, C replaced by T.
Protein change: p.Thr430Met; replaces threonine 430 with methionine.
Molecular consequence: missense variant.
Genome position (GRCh38, 1-based): chr4:103,589,791, G>A on the plus strand (C>T on the coding strand, the complement: TACR3 is on the minus strand). VCF-style: chr4-103589791-G-A. GRCh37 (hg19) VCF-style: chr4-104510948-G-A.
Other names: short protein forms T430M.
Identifiers: ClinVar variation 450930 (VCV000450930.4), dbSNP rs200736098, ClinGen allele CA3030910.

ClinVar aggregate classification (germline): Uncertain significance. Review status: criteria provided, multiple submitters, no conflicts (2 of 4 stars). 3 submissions from 3 submitters: Uncertain significance (3). Last evaluated 2025-10-29.

Conditions:
Inborn genetic diseases. Identifiers: MedGen C0950123, MeSH D030342.
Hypogonadotropic hypogonadism 11 with or without anosmia (HH11). Also called: HYPOGONADOTROPIC HYPOGONADISM 11 WITHOUT ANOSMIA; TACR3-Related GnRH Deficiency. Identifiers: Orphanet 478, MedGen C3553844, MONDO:0013913, OMIM 614840.

Allele frequency attached by ClinVar (database versions not stated): TOPMed below 0.00001; gnomAD 0.00001; gnomAD exomes 0.00001.

Submissions (3):

Ambry Genetics
Classification: Uncertain significance for Inborn genetic diseases. Last evaluated: 2025-10-29. Review status: criteria provided, single submitter. Criteria: Ambry Variant Classification Scheme 2023. Collection method: clinical testing. Allele origin: germline.

Fulgent Genetics
Classification: Uncertain significance for Hypogonadotropic hypogonadism 11 with or without anosmia. Last evaluated: 2018-10-31. Review status: criteria provided, single submitter. Criteria: ACMG Guidelines, 2015. Collection method: clinical testing. Allele origin: unknown.

GeneDx
Classification: Uncertain significance. Last evaluated: 2017-08-04. Review status: criteria provided, single submitter. Criteria: GeneDx Variant Classification (06012015). Collection method: clinical testing. Allele origin: germline. Affected: yes.
Comment: The T430M variant has not been published as a pathogenic variant, nor has it been reported as a benign variant to our knowledge. The variant is not observed at a significant frequency in large population cohorts (Lek et al., 2016; 1000 Genomes Consortium et al., 2015; Exome Variant Server). T430M is a non-conservative amino acid substitution, which is likely to impact secondary protein structure as these residues differ in polarity, charge, size and/or other properties. However, this substitution occurs at a position that is not conserved, and in silico analysis predicts this variant likely does not alter the protein structure/function. In summary, based on the currently available information, it is unclear whether this variant is a pathogenic variant or a rare benign variant.